The following is an entry in ClinVar:

ClinVar aggregate classification (germline): Likely benign. Review status: criteria provided, multiple submitters, no conflicts (2 of 4 stars). 3 submissions from 3 submitters: Likely benign (3). Last evaluated 2026-08-17.

Conditions:
Hereditary cancer-predisposing syndrome. Also called: Hereditary neoplastic syndrome; Neoplastic Syndromes, Hereditary; Tumor predisposition; Hereditary Cancer Syndrome. Identifiers: Orphanet 140162, MedGen C0027672, MeSH D009386, MONDO:0015356.
DICER1-related tumor predisposition. Also called: DICER1 syndrome; DICER1-related pleuropulmonary blastoma cancer predisposition syndrome. Identifiers: Orphanet 284343, MedGen C3839822, MONDO:0100216.

Submissions (3):

Myriad Genetics, Inc.
Classification: Likely benign for DICER1-related tumor predisposition. Last evaluated: 2026-08-17. Review status: criteria provided, single submitter. Criteria: Myriad Autosomal Dominant, Autosomal Recessive and X-Linked Classification Criteria (2023). Collection method: clinical testing. Allele origin: unknown.
Comment: This variant is considered likely benign. This variant is intronic and is not expected to impact mRNA splicing.

Labcorp Genetics (formerly Invitae), Labcorp
Classification: Likely benign for DICER1-related tumor predisposition. Last evaluated: 2026-01-21. Review status: criteria provided, single submitter. Criteria: Invitae Variant Classification Sherloc (09022015). Collection method: clinical testing. Allele origin: germline.

Ambry Genetics
Classification: Likely benign for Hereditary cancer-predisposing syndrome. Last evaluated: 2023-07-21. Review status: criteria provided, single submitter. Criteria: Ambry Variant Classification Scheme 2023. Collection method: clinical testing. Allele origin: germline.

NM_177438.3(DICER1):c.2805-3dup

Gene: DICER1 (dicer 1, ribonuclease III; minus strand). Cytogenetic location: 14q32.13.
Variant type: Duplication.
Coding change: c.2805-3dup on transcript NM_177438.3 (MANE Select); 3 bases into the intron before coding-DNA position 2805, one base duplicated (T; older notation c.2805-3dupT).
Molecular consequence: intron variant.
Genome position (GRCh38, 1-based): chr14:95,106,226, A duplicated on the plus strand (T on the coding strand, the reverse complement: DICER1 is on the minus strand); the first of 6 consecutive A bases (chr14:95,106,226-95,106,231); duplicating any one gives the same sequence. VCF-style (leftmost placement, unchanged base first): chr14-95106225-T-TA. GRCh37 (hg19) VCF-style: chr14-95572562-T-TA.
Other names: c.2805-3dup (NM_177438.2, NM_001291628.2, NM_030621.4 and 2 more transcripts); c.2805-3dupT (NM_177438.2).
Identifiers: ClinVar variation 753780 (VCV000753780.14), dbSNP rs761163858, ClinGen allele CA7331162.